The following is an entry in ClinVar:

NM_001369.3(DNAH5):c.1772T>G (p.Leu591Arg)

Gene: DNAH5 (dynein axonemal heavy chain 5; minus strand). Cytogenetic location: 5p15.2.
Variant type: single nucleotide variant.
Coding change: c.1772T>G on transcript NM_001369.3 (MANE Select); coding-DNA position 1772, T replaced by G.
Protein change: p.Leu591Arg; replaces leucine 591 with arginine.
Molecular consequence: missense variant.
Genome position (GRCh38, 1-based): chr5:13,901,532, A>C on the plus strand (T>G on the coding strand, the complement: DNAH5 is on the minus strand). VCF-style: chr5-13901532-A-C. GRCh37 (hg19) VCF-style: chr5-13901641-A-C.
Other names: short protein forms L591R.
Identifiers: ClinVar variation 226596 (VCV000226596.28), dbSNP rs35090077, ClinGen allele CA3204742.

ClinVar aggregate classification (germline): Benign. Review status: criteria provided, multiple submitters, no conflicts (2 of 4 stars). 10 submissions from 10 submitters: Benign (8). 2 of the submissions do not count toward it. Last evaluated 2026-02-01.

Conditions:
Primary ciliary dyskinesia. Also called: Ciliary dyskinesia. Identifiers: Orphanet 244, MedGen C0008780, MONDO:0016575, HP:0012265.
Primary ciliary dyskinesia 3. Identifiers: Orphanet 244, MedGen C1837618, MONDO:0012085, OMIM 608644.

Allele frequency attached by ClinVar (database versions not stated): gnomAD 0.02695 and 0.02877; TOPMed 0.02987; ESP Exome Variant Server 0.03260; 1000 Genomes Project 0.03694; 1000 Genomes Project 30x 0.03748; gnomAD exomes 0.00760; ExAC 0.00906.
gnomAD v4.1: 8,682 of 1,613,562 alleles (0.54%); highest among the groups gnomAD compares: African/African-American, 9.4%; 350 homozygotes.

Submissions (10):

Labcorp Genetics (formerly Invitae), Labcorp
Classification: Benign for Primary ciliary dyskinesia. Last evaluated: 2026-02-01. Review status: criteria provided, single submitter. Criteria: Invitae Variant Classification Sherloc (09022015). Collection method: clinical testing. Allele origin: germline.

Mayo Clinic Laboratories, Mayo Clinic
Classification: Benign. Last evaluated: 2023-01-15. Review status: criteria provided, single submitter. Criteria: ACMG Guidelines, 2015. Collection method: clinical testing. Allele origin: germline. Observed: 12 variant alleles.

GeneDx
Classification: Benign. Last evaluated: 2019-02-28. Review status: criteria provided, single submitter. Criteria: GeneDx Variant Classification Process June 2021. Collection method: clinical testing. Allele origin: germline. Affected: yes.

Illumina Laboratory Services, Illumina
Classification: Benign for Primary ciliary dyskinesia 3. Last evaluated: 2018-01-12. Review status: criteria provided, single submitter. Criteria: ICSL Variant Classification Criteria 13 December 2019. Collection method: clinical testing. Allele origin: germline.
Comment: This variant was observed in the ICSL laboratory as part of a predisposition screen in an ostensibly healthy population. It had not been previously curated by ICSL or reported in the Human Gene Mutation Database (HGMD: prior to June 1st, 2018), and was therefore a candidate for classification through an automated scoring system. Utilizing variant allele frequency, disease prevalence and penetrance estimates, and inheritance mode, an automated score was calculated to assess if this variant is too frequent to cause the disease. Based on the score and internal cut-off values, a variant classified as benign is not then subjected to further curation. The score for this variant resulted in a classification of benign for this disease.

Ambry Genetics
Classification: Benign for Primary ciliary dyskinesia. Last evaluated: 2015-01-16. Review status: criteria provided, single submitter. Criteria: Ambry Variant Classification Scheme 2023. Collection method: clinical testing. Allele origin: germline.

Laboratory for Molecular Medicine, Mass General Brigham Personalized Medicine
Classification: Benign. Last evaluated: 2013-02-21. Review status: criteria provided, single submitter. Criteria: LMM Criteria. Collection method: clinical testing. Allele origin: germline. Observed: 2 variant alleles.
Comment: Leu591Arg in exon 14 of DNAH5: This variant is not expected to have clinical sig nificance because it has been identified in 9.5% (418/4406) of African American chromosomes from a broad population by the NHLBI Exome Sequencing Project (dbSNP rs35090077).

Breakthrough Genomics
Classification: Benign. Review status: criteria provided, single submitter. Criteria: ACMG Guidelines, 2015. Collection method: not provided. Allele origin: germline. Inheritance: Autosomal recessive inheritance. Affected: yes.

PreventionGenetics, part of Exact Sciences
Classification: Benign. Review status: criteria provided, single submitter. Criteria: ACMG Guidelines, 2015. Collection method: clinical testing. Allele origin: germline.

Natera, Inc.
Classification: Benign for Primary ciliary dyskinesia. Last evaluated: 2020-09-16. Review status: no assertion criteria provided. Collection method: clinical testing. Allele origin: germline. Not counted in ClinVar's aggregate classification.

Counsyl
Classification: Benign for Primary ciliary dyskinesia 3. Last evaluated: 2016-12-16. Review status: no assertion criteria provided. Collection method: clinical testing. Allele origin: unknown. Not counted in ClinVar's aggregate classification.